The following is an entry in ClinVar:

NM_005666.4(CFHR2):c.791A>G (p.Tyr264Cys)

Gene: CFHR2 (complement factor H related 2; plus strand). Cytogenetic location: 1q31.3.
Variant type: single nucleotide variant.
Coding change: c.791A>G on transcript NM_005666.4 (MANE Select); coding-DNA position 791, A replaced by G.
Protein change: p.Tyr264Cys; replaces tyrosine 264 with cysteine.
Molecular consequence: missense variant.
Genome position (GRCh38, 1-based): chr1:196,959,058, A>G. VCF-style: chr1-196959058-A-G. GRCh37 (hg19) VCF-style: chr1-196928188-A-G.
Other names: p.Tyr264Cys; c.419A>G, p.Tyr140Cys (NM_001312672.1); c.596A>G, p.Tyr199Cys (NM_001410924.1); short protein forms Y140C, Y199C, Y264C.
Identifiers: ClinVar variation 1712446 (VCV001712446.4), dbSNP rs41310132, ClinGen allele CA1307545.

ClinVar aggregate classification (germline): Likely benign. Review status: criteria provided, multiple submitters, no conflicts (2 of 4 stars). 3 submissions from 3 submitters: Likely benign (3). Last evaluated 2026-01-22.

Conditions:
Atypical hemolytic-uremic syndrome. Identifiers: Orphanet 2134, MedGen C2931788, MONDO:0016244.

Allele frequency attached by ClinVar (database versions not stated): gnomAD 0.01079; TOPMed 0.01093; 1000 Genomes Project 30x 0.01202; 1000 Genomes Project 0.01218; ESP Exome Variant Server 0.01239; ExAC 0.01452; gnomAD exomes 0.01621.
gnomAD v4.1: 25,213 of 1,606,470 alleles (1.6%); highest among the groups gnomAD compares: South Asian, 3.3%; 296 homozygotes.

Submissions (3):

Women's Health and Genetics/Laboratory Corporation of America, LabCorp
Classification: Likely benign. Last evaluated: 2026-01-22. Review status: criteria provided, single submitter. Criteria: LabCorp Variant Classification Summary - May 2015. Collection method: clinical testing. Allele origin: germline.

Mayo Clinic Laboratories, Mayo Clinic
Classification: Likely benign. Last evaluated: 2025-02-24. Review status: criteria provided, single submitter. Criteria: ACMG Guidelines, 2015. Collection method: clinical testing. Allele origin: germline. Observed: 49 variant alleles.
Comment: BS1, BP1, BP4

Genome Diagnostics Laboratory, The Hospital for Sick Children
Classification: Likely benign for Atypical hemolytic-uremic syndrome. Last evaluated: 2021-11-01. Review status: criteria provided, single submitter. Criteria: ACMG Guidelines, 2015. Collection method: clinical testing. Allele origin: germline.

Literature cited by the submitters: PubMed 24036952 (cited by Mayo Clinic Laboratories, Mayo Clinic); PubMed 34260947 (cited by Mayo Clinic Laboratories, Mayo Clinic).